The following is an entry in ClinVar:

NM_024312.5(GNPTAB):c.45_49del (p.His16fs)

Gene: GNPTAB (N-acetylglucosamine-1-phosphate transferase subunits alpha and beta; minus strand). Cytogenetic location: 12q23.2.
Variant type: Deletion.
Coding change: c.45_49del on transcript NM_024312.5 (MANE Select); coding-DNA positions 45 to 49, 5 bases deleted (CCACA; older notation c.45_49delCCACA).
Protein change: p.His16fs; shifts the reading frame from histidine 16.
Molecular consequence: frameshift variant.
Genome position (GRCh38, 1-based): chr12:101,830,627-101,830,631, TGTGG deleted on the plus strand (CCACA on the coding strand, the reverse complement: GNPTAB is on the minus strand). VCF-style (leftmost placement, unchanged base first): chr12-101830626-CTGTGG-C. GRCh37 (hg19) VCF-style: chr12-102224404-CTGTGG-C.
Other names: short protein forms H16fs.
Identifiers: ClinVar variation 1726180 (VCV001726180.3), dbSNP rs2547989559, ClinGen allele CA2580085638.
Genomic context (GRCh38, chr12:101,830,626, plus strand): 5'-AACTGGAAGGCGGAGACGATGGTGACAACGACGCCCAAGAAGCACACGTAGAGCCCATAC[CTGTGG>C]GACAGGCAGGTATAGGTCTGTCTCTGCAGGAGCTTGAACAGCATCACCCCTTCACCGCCA-3'

ClinVar aggregate classification (germline): Likely pathogenic (1 of 4 stars; one submission).

Conditions:
GNPTAB-mucolipidosis. Also called: UDP-N-acetylglucosamine-1-phosphotransferase subunit alpha/beta deficiency. Identifiers: MedGen CN322573, MONDO:0100122.

Submission:

Myriad Genetics, Inc.
Classification: Likely pathogenic for GNPTAB-mucolipidosis. Last evaluated: 2022-05-19. Review status: criteria provided, single submitter. Criteria: Myriad Autosomal Dominant, Autosomal Recessive and X-Linked Classification Criteria (2023). Collection method: clinical testing. Allele origin: unknown.
Comment: NM_024312.4(GNPTAB):c.45_49del5(H16Vfs*37) is expected to be pathogenic in the context of GNPTAB-related disorders. This variant is predicted to lead to an abnormal or absent protein product due to the creation of a premature termination codon in GNPTAB, a gene where loss-of-function variants are known to be pathogenic. Please note: this variant was assessed in the context of healthy population screening.